The following is an entry in ClinVar:

ClinVar aggregate classification (germline): Uncertain significance. Review status: criteria provided, multiple submitters, no conflicts (2 of 4 stars). 2 submissions from 2 submitters: Uncertain significance (2). Last evaluated 2021-09-24.

Conditions:
Autosomal recessive osteopetrosis 1. Also called: ALBERS-SCHONBERG DISEASE, AUTOSOMAL RECESSIVE; TCIRG1-Related Osteopetrosis; TCIRG1-Related Autosomal Recessive Osteopetrosis. Identifiers: Orphanet 667, MedGen C1850127, MONDO:0009815, OMIM 259700.

Allele frequency attached by ClinVar (database versions not stated): gnomAD exomes below 0.00001; TOPMed below 0.00001.
gnomAD v4.1: 4 of 1,609,344 alleles (0.00025%); highest among the groups gnomAD compares: Non-Finnish European, 0.00034%; no homozygotes.

Submissions (2):

Labcorp Genetics (formerly Invitae), Labcorp
Classification: Uncertain significance. Last evaluated: 2021-09-24. Review status: criteria provided, single submitter. Criteria: Invitae Variant Classification Sherloc (09022015). Collection method: clinical testing. Allele origin: germline.
Comment: This sequence change replaces cysteine with arginine at codon 58 of the TCIRG1 protein (p.Cys58Arg). The cysteine residue is moderately conserved and there is a large physicochemical difference between cysteine and arginine. This variant is not present in population databases (ExAC no frequency). This variant has not been reported in the literature in individuals with TCIRG1-related conditions. ClinVar contains an entry for this variant (Variation ID: 882392). Algorithms developed to predict the effect of missense changes on protein structure and function are either unavailable or do not agree on the potential impact of this missense change (SIFT: "Deleterious"; PolyPhen-2: "Probably Damaging"; Align-GVGD: "Class C0"). In summary, the available evidence is currently insufficient to determine the role of this variant in disease. Therefore, it has been classified as a Variant of Uncertain Significance.

Illumina Laboratory Services, Illumina
Classification: Uncertain significance for Autosomal recessive osteopetrosis 1. Last evaluated: 2018-01-13. Review status: criteria provided, single submitter. Criteria: ICSL Variant Classification Criteria 13 December 2019. Collection method: clinical testing. Allele origin: germline.

NM_006019.4(TCIRG1):c.172T>C (p.Cys58Arg)

Gene: TCIRG1 (T cell immune regulator 1, ATPase H+ transporting V0 subunit a3; plus strand). Cytogenetic location: 11q13.2.
Variant type: single nucleotide variant.
Coding change: c.172T>C on transcript NM_006019.4 (MANE Select); coding-DNA position 172, T replaced by C.
Protein change: p.Cys58Arg; replaces cysteine 58 with arginine.
Molecular consequence: missense variant. On other transcripts: 5 prime UTR variant (1).
Genome position (GRCh38, 1-based): chr11:68,041,807, T>C. VCF-style: chr11-68041807-T-C. GRCh37 (hg19) VCF-style: chr11-67809274-T-C.
Other names: c.-1078T>C (NM_001351059.2); short protein forms C58R.
Identifiers: ClinVar variation 882392 (VCV000882392.8), dbSNP rs1855184602, ClinGen allele CA381574689.